The following is an entry in ClinVar:

NM_001368882.1(COL13A1):c.1025A>T (p.Lys342Met)

Gene: COL13A1 (collagen type XIII alpha 1 chain; plus strand). Cytogenetic location: 10q22.1.
Variant type: single nucleotide variant.
Coding change: c.1025A>T on transcript NM_001368882.1 (MANE Select); coding-DNA position 1025, A replaced by T.
Protein change: p.Lys342Met; replaces lysine 342 with methionine.
Molecular consequence: missense variant.
Genome position (GRCh38, 1-based): chr10:69,919,087, A>T. VCF-style: chr10-69919087-A-T. GRCh37 (hg19) VCF-style: chr10-71678843-A-T.
Other names: c.1055A>T, p.Lys352Met (NM_001130103.2); c.1025A>T, p.Lys342Met (NM_001320951.2, NM_001368884.1); c.989A>T, p.Lys330Met (NM_001368883.1, NM_001368885.1, NM_080801.4 and 1 more transcripts); c.425A>T, p.Lys142Met (NM_001368886.1); c.935A>T, p.Lys312Met (NM_001368895.1); c.884A>T, p.Lys295Met (NM_001368896.1, NM_001368898.1, NM_080798.4); c.911A>T, p.Lys304Met (NM_001368897.1); c.998A>T, p.Lys333Met (NM_080800.4); and 1 more; short protein forms K295M, K301M, K342M, K312M, K142M, K304M, K333M, K352M.
Identifiers: ClinVar variation 1420895 (VCV001420895.8), dbSNP rs1191267818, ClinGen allele CA376928483.

ClinVar aggregate classification (germline): Uncertain significance (1 of 4 stars; one submission).

Allele frequency attached by ClinVar (database versions not stated): gnomAD exomes below 0.00001 and 0.00001; TOPMed below 0.00001; gnomAD 0.00001.
gnomAD v4.1: 11 of 1,613,884 alleles (0.00068%); highest among the groups gnomAD compares: Non-Finnish European, 0.00085%; no homozygotes.

Submission:

Labcorp Genetics (formerly Invitae), Labcorp
Classification: Uncertain significance. Last evaluated: 2022-03-08. Review status: criteria provided, single submitter. Criteria: Invitae Variant Classification Sherloc (09022015). Collection method: clinical testing. Allele origin: germline.
Comment: This sequence change replaces lysine, which is basic and polar, with methionine, which is neutral and non-polar, at codon 352 of the COL13A1 protein (p.Lys352Met). In summary, the available evidence is currently insufficient to determine the role of this variant in disease. Therefore, it has been classified as a Variant of Uncertain Significance. Algorithms developed to predict the effect of sequence changes on RNA splicing suggest that this variant may disrupt the consensus splice site. Algorithms developed to predict the effect of missense changes on protein structure and function (SIFT, PolyPhen-2, Align-GVGD) all suggest that this variant is likely to be disruptive. This variant has not been reported in the literature in individuals affected with COL13A1-related conditions. This variant is present in population databases (no rsID available, gnomAD 0.0009%).